The following is an entry in ClinVar:

NM_017566.4(KLHDC4):c.507A>G (p.Lys169=)

Gene: KLHDC4 (kelch domain containing 4; minus strand). Cytogenetic location: 16q24.2.
Variant type: single nucleotide variant.
Coding change: c.507A>G on transcript NM_017566.4 (MANE Select); coding-DNA position 507, A replaced by G.
Protein change: p.Lys169=; no amino-acid change (lysine 169 retained).
Molecular consequence: synonymous variant. On other transcripts: 5 prime UTR variant (2), non-coding transcript variant (1), intron variant (1).
Genome position (GRCh38, 1-based): chr16:87,730,644, T>C on the plus strand (A>G on the coding strand, the complement: KLHDC4 is on the minus strand). VCF-style: chr16-87730644-T-C. GRCh37 (hg19) VCF-style: chr16-87764250-T-C.
Other names: c.336A>G, p.Lys112= (NM_001184854.2); c.-37A>G (NM_001351937.2, NM_001351938.2); c.507-3720A>G (NM_001184856.2).
Identifiers: ClinVar variation 2646963 (VCV002646963.24), dbSNP rs779800436, ClinGen allele CA8222244.

ClinVar aggregate classification (germline): Likely benign (1 of 4 stars; one submission).

Allele frequency attached by ClinVar (database versions not stated): ExAC 0.00002; gnomAD 0.00002; gnomAD exomes 0.00002; TOPMed 0.00003.
gnomAD v4.1: 29 of 1,611,948 alleles (0.0018%); highest among the groups gnomAD compares: Admixed American, 0.013%; no homozygotes.

Submission:

CeGaT Center for Human Genetics Tuebingen
Classification: Likely benign. Last evaluated: 2022-09-01. Review status: criteria provided, single submitter. Criteria: CeGaT Center For Human Genetics Tuebingen Variant Classification Criteria Version 2. Collection method: clinical testing. Allele origin: germline. Affected: yes. Observed: 1 variant allele.
Comment: KLHDC4: BP4, BP7